The following is an entry in ClinVar:

ClinVar aggregate classification (germline): Benign/Likely benign. Review status: criteria provided, multiple submitters, no conflicts (2 of 4 stars). 3 submissions from 3 submitters: Benign (1); Likely benign (2). Last evaluated 2025-05-05.

Conditions:
FLG-related disorder. Also called: FLG-related disorders; FLG-related condition.

Allele frequency attached by ClinVar (database versions not stated): ExAC 0.00395; gnomAD 0.01154 and 0.01228; TOPMed 0.01304; ESP Exome Variant Server 0.01369; 1000 Genomes Project 30x 0.01546; gnomAD exomes 0.00138 and 0.00322; 1000 Genomes Project 0.01558.
gnomAD v4.1: 3,853 of 1,613,936 alleles (0.24%); highest among the groups gnomAD compares: African/African-American, 4%; 71 homozygotes.

Submissions (3):

PreventionGenetics, part of Exact Sciences
Classification: Benign for FLG-related condition. Last evaluated: 2025-05-05. Review status: criteria provided, single submitter. Criteria: ACMG Guidelines, 2015. Collection method: clinical testing. Allele origin: germline.
Comment: This variant is classified as benign based on ACMG/AMP sequence variant interpretation guidelines (Richards et al. 2015 PMID: 25741868, with internal and published modifications).

GeneDx
Classification: Likely benign. Last evaluated: 2018-07-05. Review status: criteria provided, single submitter. Criteria: GeneDx Variant Classification Process June 2021. Collection method: clinical testing. Allele origin: germline. Affected: yes.

Breakthrough Genomics
Classification: Likely benign. Review status: criteria provided, single submitter. Criteria: ACMG Guidelines, 2015. Collection method: not provided. Allele origin: germline. Inheritance: Autosomal dominant inheritance. Affected: yes.

NM_002016.2(FLG):c.1828G>A (p.Gly610Arg)

Genes: CCDST (cervical cancer associated DHX9 suppressive transcript; plus strand), FLG (filaggrin; minus strand). Cytogenetic location: 1q21.3.
Variant type: single nucleotide variant.
Coding change: c.1828G>A on transcript NM_002016.2 (MANE Select); coding-DNA position 1828, G replaced by A.
Protein change: p.Gly610Arg; replaces glycine 610 with arginine.
Molecular consequence: missense variant.
Genome position (GRCh38, 1-based): chr1:152,313,058, C>T on the plus strand (G>A on the coding strand, the complement: FLG is on the minus strand). VCF-style: chr1-152313058-C-T. GRCh37 (hg19) VCF-style: chr1-152285534-C-T.
Other names: short protein forms G610R.
Identifiers: ClinVar variation 1194347 (VCV001194347.4), dbSNP rs74129463, ClinGen allele CA1107447.